The following is an entry in ClinVar:

ClinVar aggregate classification (germline): Benign/Likely benign. Review status: criteria provided, multiple submitters, no conflicts (2 of 4 stars). 6 submissions from 6 submitters: Benign (2); Likely benign (4). Last evaluated 2025-02-16.

Conditions:
Kennedy disease (SMAX1). Also called: SPINAL AND BULBAR MUSCULAR ATROPHY, X-LINKED 1; KENNEDY SPINAL AND BULBAR MUSCULAR ATROPHY; Spinal and Bulbar Muscular Atrophy. Identifiers: Orphanet 481, MedGen C1839259, MONDO:0010735, OMIM 313200.
Androgen resistance syndrome (AIS). Also called: DHTR DEFICIENCY; ANDROGEN RECEPTOR DEFICIENCY; TESTICULAR FEMINIZATION SYNDROME; Androgen insensitivity syndrome due to coactivator deficiency; Androgen insensitivity; Androgen insensitivity syndrome. Identifiers: Orphanet 754, Orphanet 99429, MedGen C0039585, MONDO:0019154, OMIM 300068. Disease mechanism: loss of function.

Submissions (6):

Laboratory of Genetics, Children's Clinical University Hospital Latvia
Classification: Likely benign. Last evaluated: 2025-02-16. Review status: criteria provided, single submitter. Criteria: ACMG Guidelines, 2015. Collection method: clinical testing. Allele origin: germline. Affected: yes.

Blueprint Genetics
Classification: Likely benign. Last evaluated: 2024-11-27. Review status: criteria provided, single submitter. Criteria: ACMG Guidelines, 2015. Collection method: clinical testing. Allele origin: germline.

CeGaT Center for Human Genetics Tuebingen
Classification: Benign. Last evaluated: 2024-04-01. Review status: criteria provided, single submitter. Criteria: CeGaT Center For Human Genetics Tuebingen Variant Classification Criteria Version 2. Collection method: clinical testing. Allele origin: germline. Affected: yes. Observed: 3 variant alleles.
Comment: AR: BS1, BS2

Labcorp Genetics (formerly Invitae), Labcorp
Classification: Benign for Kennedy disease; Androgen resistance syndrome. Last evaluated: 2023-11-24. Review status: criteria provided, single submitter. Criteria: Invitae Variant Classification Sherloc (09022015). Collection method: clinical testing. Allele origin: germline.

GeneDx
Classification: Likely benign. Last evaluated: 2021-04-13. Review status: criteria provided, single submitter. Criteria: GeneDx Variant Classification Process June 2021. Collection method: clinical testing. Allele origin: germline. Affected: yes.
Comment: This variant is associated with the following publications: (PMID: 15242343)

Genetic Services Laboratory, University of Chicago
Classification: Likely benign. Last evaluated: 2017-01-09. Review status: criteria provided, single submitter. Criteria: ACMG Guidelines, 2015. Collection method: clinical testing. Allele origin: germline. Affected: no.

NM_000044.6(AR):c.171GCA[17] (p.Gln75_Gln80del)

Genes: AR (androgen receptor; plus strand), LOC109504725 (androgen receptor repeat instability region; plus strand). Cytogenetic location: Xq12.
Variant type: Microsatellite.
Coding change: c.171GCA[17] on transcript NM_000044.6 (MANE Select); 17 copies in a row of the 3-base unit GCA starting at c.171; the reference has 23 copies in a row; six copies, 18 bases deleted.
Protein change: p.Gln75_Gln80del.
Molecular consequence: inframe deletion. On other transcripts: 5 prime UTR variant (1).
Genome position (GRCh38, 1-based): chrX:67,545,368-67,545,385, GCAGCAGCAGCAGCAGCA deleted; deleting any 18 consecutive bases within chrX:67,545,317-67,545,385 gives the same sequence; the position shown is the placement nearest the transcript's 3' end. VCF-style (leftmost placement, unchanged base first): chrX-67545316-TGCAGCAGCAGCAGCAGCA-T. GRCh37 (hg19) VCF-style: chrX-66765158-TGCAGCAGCAGCAGCAGCA-T.
Other names: c.-1613GCA[17] (NM_001011645.3); c.171GCA[17], p.Gln75_Gln80del (NM_001348061.1, NM_001348063.1, NM_001348064.1); c.222_239delGCAGCAGCAGCAGCAGCA (NM_000044.2).
Identifiers: ClinVar variation 418806 (VCV000418806.40), dbSNP rs3032358, ClinGen allele CA16621463.